The following is an entry in ClinVar:

ClinVar aggregate classification (germline): Uncertain significance. Review status: criteria provided, multiple submitters, no conflicts (2 of 4 stars). 3 submissions from 3 submitters: Uncertain significance (3). Last evaluated 2026-03-31.

Conditions:
Ehlers-Danlos syndrome, classic type, 1 (EDSCL1). Also called: Ehlers-Danlos syndrome, type 1; Ehlers-Danlos Syndrome, Classic Type, COL5A1-Related; EDS I; EHLERS-DANLOS SYNDROME, GRAVIS TYPE; EHLERS-DANLOS SYNDROME, SEVERE CLASSIC TYPE. Identifiers: MedGen C0268335, MONDO:0019567, OMIM 130000.

Allele frequency attached by ClinVar (database versions not stated): gnomAD 0.00001; gnomAD exomes 0.00001; TOPMed 0.00001.
gnomAD v4.1: 13 of 1,612,488 alleles (0.00081%); highest among the groups gnomAD compares: African/African-American, 0.0053%; no homozygotes.

Submissions (3):

GeneDx
Classification: Uncertain significance. Last evaluated: 2026-03-31. Review status: criteria provided, single submitter. Criteria: GeneDx Variant Classification Process June 2021. Collection method: clinical testing. Allele origin: germline.
Comment: Not observed at significant frequency in large population cohorts (gnomAD); In silico analysis suggests that this missense variant does not alter protein structure/function; Has not been previously published as pathogenic or benign to our knowledge; This variant is associated with the following publications: (PMID: 22696272)

Labcorp Genetics (formerly Invitae), Labcorp
Classification: Uncertain significance for Ehlers-Danlos syndrome, classic type, 1. Last evaluated: 2024-04-01. Review status: criteria provided, single submitter. Criteria: Invitae Variant Classification Sherloc (09022015). Collection method: clinical testing. Allele origin: germline.
Comment: This sequence change replaces isoleucine, which is neutral and non-polar, with valine, which is neutral and non-polar, at codon 422 of the COL5A2 protein (p.Ile422Val). The frequency data for this variant in the population databases is considered unreliable, as metrics indicate poor data quality at this position in the gnomAD database. This variant has not been reported in the literature in individuals affected with COL5A2-related conditions. ClinVar contains an entry for this variant (Variation ID: 618039). Advanced modeling of protein sequence and biophysical properties (such as structural, functional, and spatial information, amino acid conservation, physicochemical variation, residue mobility, and thermodynamic stability) performed at Invitae indicates that this missense variant is not expected to disrupt COL5A2 protein function with a negative predictive value of 80%. In summary, the available evidence is currently insufficient to determine the role of this variant in disease. Therefore, it has been classified as a Variant of Uncertain Significance.

ARUP Laboratories, Molecular Genetics and Genomics, ARUP Laboratories
Classification: Uncertain significance. Last evaluated: 2017-11-27. Review status: criteria provided, single submitter. Criteria: ARUP Molecular Germline Variant Investigation Process. Collection method: clinical testing. Allele origin: germline.

NM_000393.5(COL5A2):c.1264A>G (p.Ile422Val)

Gene: COL5A2 (collagen type V alpha 2 chain; minus strand). Cytogenetic location: 2q32.2.
Variant type: single nucleotide variant.
Coding change: c.1264A>G on transcript NM_000393.5 (MANE Select); coding-DNA position 1264, A replaced by G.
Protein change: p.Ile422Val; replaces isoleucine 422 with valine.
Molecular consequence: missense variant.
Genome position (GRCh38, 1-based): chr2:189,068,264, T>C on the plus strand (A>G on the coding strand, the complement: COL5A2 is on the minus strand). VCF-style: chr2-189068264-T-C. GRCh37 (hg19) VCF-style: chr2-189932990-T-C.
Other names: short protein forms I422V.
Identifiers: ClinVar variation 618039 (VCV000618039.12), dbSNP rs1391129049, ClinGen allele CA349853022.